The following is an entry in ClinVar:

ClinVar aggregate classification (germline): Uncertain significance (1 of 4 stars; one submission).

Allele frequency attached by ClinVar (database versions not stated): gnomAD exomes below 0.00001 and 0.00001; ExAC 0.00001.
gnomAD v4.1: 2 of 1,614,200 alleles (0.00012%); highest among the groups gnomAD compares: Admixed American, 0.0017%; no homozygotes.

Submission:

GeneDx
Classification: Uncertain significance. Last evaluated: 2016-02-26. Review status: criteria provided, single submitter. Criteria: GeneDx Variant Classification (06012015). Collection method: clinical testing. Allele origin: germline. Affected: yes.
Comment: The V617I variant has not been published as a pathogenic variant, nor has it been reported as a benign variant to our knowledge. It was not observed in approximately 6,500 individuals of European and African American ancestry in the NHLBI Exome Sequencing Project, indicating it is not a common benign variant in these populations. The V617I variant is a conservative amino acid substitution, which is not likely to impact secondary protein structure as these residues share similar properties. However, this substitution occurs at a position that is conserved across species. In silico analysis is inconsistent in its predictions as to whether or not the V617I variant is damaging to the protein structure/function. Therefore, based on the currently available information, it is unclear whether this variant is a pathogenic variant or a rare benign variant.

NM_002180.3(IGHMBP2):c.1849G>A (p.Val617Ile)

Gene: IGHMBP2 (immunoglobulin mu DNA binding protein 2; plus strand). Cytogenetic location: 11q13.3.
Variant type: single nucleotide variant.
Coding change: c.1849G>A on transcript NM_002180.3 (MANE Select); coding-DNA position 1849, G replaced by A.
Protein change: p.Val617Ile; replaces valine 617 with isoleucine.
Molecular consequence: missense variant.
Genome position (GRCh38, 1-based): chr11:68,936,329, G>A. VCF-style: chr11-68936329-G-A. GRCh37 (hg19) VCF-style: chr11-68703797-G-A.
Other names: short protein forms V617I.
Identifiers: ClinVar variation 246412 (VCV000246412.2), dbSNP rs756289160, ClinGen allele CA6153795.
Genomic context (GRCh38, chr11:68,936,329, plus strand): 5'-ATCAACGTGGCTGTCACCCGTGCCCGACGCCACGTGGCGGTCATCTGTGACTCCCGTACT[G>A]TCAACAACCATGCATTTTTGAAGACCCTGGTGGAGTATTTCACACAGCATGGGGAAGTAC-3'
Protein context (NP_002171.2, residues 607-627): HVAVICDSRT[Val617Ile]NNHAFLKTLV